The following is an entry in ClinVar:

ClinVar aggregate classification (germline): Uncertain significance. Review status: criteria provided, multiple submitters, no conflicts (2 of 4 stars). 2 submissions from 2 submitters: Uncertain significance (2). Last evaluated 2022-07-24.

Allele frequency attached by ClinVar (database versions not stated): gnomAD 0.00001.

Submissions (2):

Labcorp Genetics (formerly Invitae), Labcorp
Classification: Uncertain significance. Last evaluated: 2022-07-24. Review status: criteria provided, single submitter. Criteria: Invitae Variant Classification Sherloc (09022015). Collection method: clinical testing. Allele origin: germline.
Comment: Algorithms developed to predict the effect of missense changes on protein structure and function are either unavailable or do not agree on the potential impact of this missense change (SIFT: "Deleterious"; PolyPhen-2: "Benign"; Align-GVGD: "Class C0"). In summary, the available evidence is currently insufficient to determine the role of this variant in disease. Therefore, it has been classified as a Variant of Uncertain Significance. This sequence change replaces arginine, which is basic and polar, with glutamine, which is neutral and polar, at codon 492 of the HK1 protein (p.Arg492Gln). This variant is present in population databases (rs766293154, gnomAD 0.003%). This variant has not been reported in the literature in individuals affected with HK1-related conditions. ClinVar contains an entry for this variant (Variation ID: 1429954).

Blueprint Genetics
Classification: Uncertain significance. Last evaluated: 2021-09-01. Review status: criteria provided, single submitter. Criteria: ACMG Guidelines, 2015. Collection method: clinical testing. Allele origin: germline.

NM_000188.3(HK1):c.1475G>A (p.Arg492Gln)

Gene: HK1 (hexokinase 1; plus strand). Cytogenetic location: 10q22.1.
Variant type: single nucleotide variant.
Coding change: c.1475G>A on transcript NM_000188.3 (MANE Select); coding-DNA position 1475, G replaced by A.
Protein change: p.Arg492Gln; replaces arginine 492 with glutamine.
Molecular consequence: missense variant.
Genome position (GRCh38, 1-based): chr10:69,382,696, G>A. VCF-style: chr10-69382696-G-A. GRCh37 (hg19) VCF-style: chr10-71142452-G-A.
Other names: c.1487G>A, p.Arg496Gln (NM_001322364.2, NM_001358263.1, NM_033497.3 and 1 more transcripts); c.1580G>A, p.Arg527Gln (NM_001322365.2); c.1391G>A, p.Arg464Gln (NM_001322366.1); c.1379G>A, p.Arg460Gln (NM_001322367.1); c.1472G>A, p.Arg491Gln (NM_033496.3); c.1439G>A, p.Arg480Gln (NM_033500.2); short protein forms R491Q, R527Q, R460Q, R464Q, R496Q, R480Q, R492Q.
Identifiers: ClinVar variation 1429954 (VCV001429954.9), dbSNP rs766293154, ClinGen allele CA5532607.